The following is an entry in ClinVar:

NM_000038.6(APC):c.5150A>T (p.Lys1717Ile)

Gene: APC (APC regulator of Wnt signaling pathway; plus strand). Cytogenetic location: 5q22.2.
Variant type: single nucleotide variant.
Coding change: c.5150A>T on transcript NM_000038.6 (MANE Select); coding-DNA position 5150, A replaced by T.
Protein change: p.Lys1717Ile; replaces lysine 1717 with isoleucine.
Molecular consequence: missense variant.
Genome position (GRCh38, 1-based): chr5:112,840,744, A>T. VCF-style: chr5-112840744-A-T. GRCh37 (hg19) VCF-style: chr5-112176441-A-T.
Other names: c.5150A>T, p.Lys1717Ile (NM_001127510.3, NM_001354895.2); c.5096A>T, p.Lys1699Ile (NM_001127511.3); c.5204A>T, p.Lys1735Ile (NM_001354896.2); c.5180A>T, p.Lys1727Ile (NM_001354897.2); c.5075A>T, p.Lys1692Ile (NM_001354898.2); c.5066A>T, p.Lys1689Ile (NM_001354899.2); c.5027A>T, p.Lys1676Ile (NM_001354900.2); c.4973A>T, p.Lys1658Ile (NM_001354901.2); and 5 more; short protein forms K1434I, K1557I, K1591I, K1616I, K1626I, K1658I, K1676I, K1689I.
Identifiers: ClinVar variation 1001146 (VCV001001146.10), dbSNP rs1765859710, ClinGen allele CA16032588.

ClinVar aggregate classification (germline): Uncertain significance (1 of 4 stars; one submission).

Conditions:
Familial adenomatous polyposis 1 (FAP1). Also called: FAMILIAL ADENOMATOUS POLYPOSIS 1, ATTENUATED; POLYPOSIS, ADENOMATOUS INTESTINAL. Identifiers: MedGen C2713442, MONDO:0021056, OMIM 175100. Disease mechanism: loss of function.

Allele frequency attached by ClinVar (database versions not stated): gnomAD exomes below 0.00001.
gnomAD v4.1: 1 of 1,614,112 alleles (0.000062%); highest among the groups gnomAD compares: Non-Finnish European, 0.000085%; no homozygotes.

Submission:

Labcorp Genetics (formerly Invitae), Labcorp
Classification: Uncertain significance for Familial adenomatous polyposis 1. Last evaluated: 2022-10-18. Review status: criteria provided, single submitter. Criteria: Invitae Variant Classification Sherloc (09022015). Collection method: clinical testing. Allele origin: germline.
Comment: This sequence change replaces lysine, which is basic and polar, with isoleucine, which is neutral and non-polar, at codon 1717 of the APC protein (p.Lys1717Ile). In summary, the available evidence is currently insufficient to determine the role of this variant in disease. Therefore, it has been classified as a Variant of Uncertain Significance. Advanced modeling of protein sequence and biophysical properties (such as structural, functional, and spatial information, amino acid conservation, physicochemical variation, residue mobility, and thermodynamic stability) performed at Invitae indicates that this missense variant is not expected to disrupt APC protein function. ClinVar contains an entry for this variant (Variation ID: 1001146). This variant has not been reported in the literature in individuals affected with APC-related conditions. This variant is not present in population databases (gnomAD no frequency).